The following is an entry in ClinVar:

NM_000376.3(VDR):c.845A>G (p.Asp282Gly)

Gene: VDR (vitamin D receptor; minus strand). Cytogenetic location: 12q13.11.
Variant type: single nucleotide variant.
Coding change: c.845A>G on transcript NM_000376.3 (MANE Select); coding-DNA position 845, A replaced by G.
Protein change: p.Asp282Gly; replaces aspartic acid 282 with glycine.
Molecular consequence: missense variant.
Genome position (GRCh38, 1-based): chr12:47,846,719, T>C on the plus strand (A>G on the coding strand, the complement: VDR is on the minus strand). VCF-style: chr12-47846719-T-C. GRCh37 (hg19) VCF-style: chr12-48240502-T-C.
Other names: c.845A>G, p.Asp282Gly (NM_001017535.2, NM_001364085.2, NM_001374661.1 and 1 more transcripts); c.995A>G, p.Asp332Gly (NM_001017536.2); short protein forms D282G, D332G.
Identifiers: ClinVar variation 2097936 (VCV002097936.4), dbSNP rs2539969269, ClinGen allele CA384516447.

ClinVar aggregate classification (germline): Uncertain significance (1 of 4 stars; one submission).

Submission:

Labcorp Genetics (formerly Invitae), Labcorp
Classification: Uncertain significance. Last evaluated: 2025-04-28. Review status: criteria provided, single submitter. Criteria: Invitae Variant Classification Sherloc (09022015). Collection method: clinical testing. Allele origin: germline.
Comment: This sequence change replaces aspartic acid, which is acidic and polar, with glycine, which is neutral and non-polar, at codon 282 of the VDR protein (p.Asp282Gly). This variant is not present in population databases (gnomAD no frequency). This variant has not been reported in the literature in individuals affected with VDR-related conditions. ClinVar contains an entry for this variant (Variation ID: 2097936). Invitae Evidence Modeling of protein sequence and biophysical properties (such as structural, functional, and spatial information, amino acid conservation, physicochemical variation, residue mobility, and thermodynamic stability) indicates that this missense variant is not expected to disrupt VDR protein function with a negative predictive value of 80%. In summary, the available evidence is currently insufficient to determine the role of this variant in disease. Therefore, it has been classified as a Variant of Uncertain Significance.